The following is an entry in ClinVar:

NM_020693.4(DSCAML1):c.4876+6G>A

Gene: DSCAML1 (DS cell adhesion molecule like 1; minus strand). Cytogenetic location: 11q23.3.
Variant type: single nucleotide variant.
Coding change: c.4876+6G>A on transcript NM_020693.4 (MANE Select); 6 bases into the intron after coding-DNA position 4876, G replaced by A.
Molecular consequence: intron variant.
Genome position (GRCh38, 1-based): chr11:117,435,638, C>T on the plus strand (G>A on the coding strand, the complement: DSCAML1 is on the minus strand). VCF-style: chr11-117435638-C-T. GRCh37 (hg19) VCF-style: chr11-117306354-C-T.
Identifiers: ClinVar variation 1433969 (VCV001433969.6), dbSNP rs751022736, ClinGen allele CA6296244.

ClinVar aggregate classification (germline): Uncertain significance (1 of 4 stars; one submission).

Allele frequency attached by ClinVar (database versions not stated): gnomAD 0.00002; TOPMed 0.00006; gnomAD exomes 0.00017; ExAC 0.00023.
gnomAD v4.1: 44 of 1,591,716 alleles (0.0028%); highest among the groups gnomAD compares: Admixed American, 0.074%; no homozygotes.

Submission:

Labcorp Genetics (formerly Invitae), Labcorp
Classification: Uncertain significance. Last evaluated: 2025-12-17. Review status: criteria provided, single submitter. Criteria: Invitae Variant Classification Sherloc (09022015). Collection method: clinical testing. Allele origin: germline.
Comment: This sequence change falls in intron 27 of the DSCAML1 gene. It does not directly change the encoded amino acid sequence of the DSCAML1 protein. It affects a nucleotide within the consensus splice site. This variant is present in population databases (rs751022736, gnomAD 0.1%), and has an allele count higher than expected for a pathogenic variant. This variant has not been reported in the literature in individuals affected with DSCAML1-related conditions. ClinVar contains an entry for this variant (Variation ID: 1433969). Variants that disrupt the consensus splice site are a relatively common cause of aberrant splicing (PMID: 17576681, 9536098). Algorithms developed to predict the effect of sequence changes on RNA splicing suggest that this variant is not likely to affect RNA splicing. In summary, the available evidence is currently insufficient to determine the role of this variant in disease. Therefore, it has been classified as a Variant of Uncertain Significance.

Literature cited by the submitters: PubMed 17576681; PubMed 9536098.